The following is an entry in ClinVar:

NC_000023.11:g.38275103T>C

Gene: RPGR (retinitis pigmentosa GTPase regulator; minus strand). Cytogenetic location: Xp11.4.
Variant type: single nucleotide variant.
Molecular consequence: missense variant (on NM_001367247.1). On other transcripts: non-coding transcript variant (6).
Genome position: GRCh38 VCF-style: chrX-38275103-T-C. GRCh37 (hg19) VCF-style: chrX-38134356-T-C.
Other names: c.1802A>G, p.Asn601Ser (NM_001367247.1); c.1832A>G, p.Asn611Ser (NM_001367248.1); c.1799A>G, p.Asn600Ser (NM_001367249.1, NM_001367250.1); c.1616A>G, p.Asn539Ser (NM_001367251.1); c.2135A>G, p.Asn712Ser (NM_000328.3); c.2132A>G, p.Asn711Ser (NM_001367245.1); c.1949A>G, p.Asn650Ser (NM_001367246.1); short protein forms N539S, N650S, N600S, N611S, N601S, N711S, N712S.
Identifiers: ClinVar variation 2873882 (VCV002873882.3), dbSNP rs2519754025, ClinGen allele CA412724817.
Genomic context (GRCh38, chrX:38,275,103, plus strand): 5'-GTGTATGTATGTATGTATATATGTATGTTATCAAATGTGCTCATACCTTTTGGGTTTTCA[T>C]TGTACTCACAAATGGCCCGTTCCTCTAGGTTGGCTTTTTCTTTCTATAAACAATAACAAA-3'

ClinVar aggregate classification (germline): Uncertain significance (1 of 4 stars; one submission).

Conditions:
Primary ciliary dyskinesia. Also called: Ciliary dyskinesia. Identifiers: Orphanet 244, MedGen C0008780, MONDO:0016575, HP:0012265.

Allele frequency attached by ClinVar (database versions not stated): gnomAD exomes below 0.00001.
gnomAD v4.1: 2 of 1,210,440 alleles (0.00017%); highest among the groups gnomAD compares: Non-Finnish European, 0.00022%; no homozygotes.

Submission:

Labcorp Genetics (formerly Invitae), Labcorp
Classification: Uncertain significance for Primary ciliary dyskinesia. Last evaluated: 2024-05-08. Review status: criteria provided, single submitter. Criteria: Invitae Variant Classification Sherloc (09022015). Collection method: clinical testing. Allele origin: germline.
Comment: This sequence change replaces asparagine, which is neutral and polar, with serine, which is neutral and polar, at codon 712 of the RPGR protein (p.Asn712Ser). This variant is not present in population databases (gnomAD no frequency). This missense change has been observed in individual(s) with early onset high myopia (PMID: 26747767). Advanced modeling of protein sequence and biophysical properties (such as structural, functional, and spatial information, amino acid conservation, physicochemical variation, residue mobility, and thermodynamic stability) performed at Invitae indicates that this missense variant is not expected to disrupt RPGR protein function with a negative predictive value of 95%. In summary, the available evidence is currently insufficient to determine the role of this variant in disease. Therefore, it has been classified as a Variant of Uncertain Significance.

Literature cited by the submitters: PubMed 26747767.